The following is an entry in ClinVar:

NM_005228.5(EGFR):c.2317C>A (p.His773Asn)

Genes: EGFR (epidermal growth factor receptor; plus strand), EGFR-AS1 (EGFR antisense RNA 1; minus strand). Cytogenetic location: 7p11.2.
Variant type: single nucleotide variant.
Coding change: c.2317C>A on transcript NM_005228.5 (MANE Select); coding-DNA position 2317, C replaced by A.
Protein change: p.His773Asn; replaces histidine 773 with asparagine.
Molecular consequence: missense variant. On other transcripts: non-coding transcript variant (1).
Genome position (GRCh38, 1-based): chr7:55,181,326, C>A. VCF-style: chr7-55181326-C-A. GRCh37 (hg19) VCF-style: chr7-55249019-C-A.
Other names: c.2182C>A, p.His728Asn (NM_001346897.2, NM_001346899.2); c.2317C>A, p.His773Asn (NM_001346898.2); c.2158C>A, p.His720Asn (NM_001346900.2); c.1516C>A, p.His506Asn (NM_001346941.2); short protein forms H720N, H728N, H506N, H773N.
Identifiers: ClinVar variation 4247349 (VCV004247349.1).
Genomic context (GRCh38, chr7:55,181,326, plus strand): 5'-CACTGACGTGCCTCTCCCTCCCTCCAGGAAGCCTACGTGATGGCCAGCGTGGACAACCCC[C>A]ACGTGTGCCGCCTGCTGGGCATCTGCCTCACCTCCACCGTGCAGCTCATCACGCAGCTCA-3'
Protein context (NP_005219.2, residues 763-783): AYVMASVDNP[His773Asn]VCRLLGICLT

ClinVar aggregate classification (germline): Uncertain significance (1 of 4 stars; one submission).

Conditions:
Hereditary cancer-predisposing syndrome. Also called: Hereditary Cancer Syndrome; Hereditary neoplastic syndrome; Neoplastic Syndromes, Hereditary; Tumor predisposition. Identifiers: Orphanet 140162, MedGen C0027672, MeSH D009386, MONDO:0015356.

gnomAD v4.1: 1 of 1,614,208 alleles (0.000062%); highest among the groups gnomAD compares: South Asian, 0.0011%; no homozygotes.

Submission:

Ambry Genetics
Classification: Uncertain significance for Hereditary cancer-predisposing syndrome. Last evaluated: 2025-09-03. Review status: criteria provided, single submitter. Criteria: Ambry Variant Classification Scheme 2023. Collection method: clinical testing. Allele origin: germline.
Comment: The p.H773N variant (also known as c.2317C>A), located in coding exon 20 of the EGFR gene, results from a C to A substitution at nucleotide position 2317. The histidine at codon 773 is replaced by asparagine, an amino acid with similar properties. This amino acid position is well conserved in available vertebrate species. In addition, this alteration is predicted to be tolerated by in silico analysis. Based on the available evidence, the clinical significance of this variant remains unclear.